The following is an entry in ClinVar:

ClinVar aggregate classification (germline): Benign/Likely benign. Review status: criteria provided, multiple submitters, no conflicts (2 of 4 stars). 5 submissions from 5 submitters: Benign (1); Likely benign (4). Last evaluated 2026-05-15.

Conditions:
Hereditary cancer-predisposing syndrome. Also called: Hereditary neoplastic syndrome; Neoplastic Syndromes, Hereditary; Hereditary Cancer Syndrome; Tumor predisposition. Identifiers: Orphanet 140162, MedGen C0027672, MeSH D009386, MONDO:0015356.
Cardiovascular phenotype. Identifiers: MedGen CN230736.
Neurofibromatosis, type 1 (NF1). Also called: Peripheral type neurofibromatosis; Neurofibromatosis, type I; VON RECKLINGHAUSEN DISEASE; NEUROFIBROMATOSIS, TYPE I, SOMATIC. Identifiers: Orphanet 636, MedGen C0027831, MONDO:0018975, OMIM 162200. Disease mechanism: loss of function.

gnomAD v4.1: 4 of 1,605,026 alleles (0.00025%); highest among the groups gnomAD compares: Non-Finnish European, 0.00034%; no homozygotes.

Submissions (5):

Myriad Genetics, Inc.
Classification: Benign for Neurofibromatosis, type 1. Last evaluated: 2026-05-15. Review status: criteria provided, single submitter. Criteria: Myriad Autosomal Dominant, Autosomal Recessive and X-Linked Classification Criteria (2023). Collection method: clinical testing. Allele origin: unknown.
Comment: This variant is considered benign. This variant is a silent/synonymous amino acid change and it is not expected to impact splicing.

Labcorp Genetics (formerly Invitae), Labcorp
Classification: Likely benign for Neurofibromatosis, type 1. Last evaluated: 2026-01-27. Review status: criteria provided, single submitter. Criteria: Invitae Variant Classification Sherloc (09022015). Collection method: clinical testing. Allele origin: germline.

Genome-Nilou Lab
Classification: Likely benign for Neurofibromatosis, type 1. Last evaluated: 2022-03-15. Review status: criteria provided, single submitter. Criteria: ACMG Guidelines, 2015. Collection method: clinical testing. Allele origin: germline. Affected: no.

Ambry Genetics
Classification: Likely benign for Cardiovascular phenotype; Hereditary cancer-predisposing syndrome. Last evaluated: 2018-05-25. Review status: criteria provided, single submitter. Criteria: Ambry Variant Classification Scheme 2023. Collection method: clinical testing. Allele origin: germline.

GeneDx
Classification: Likely benign. Last evaluated: 2018-05-11. Review status: criteria provided, single submitter. Criteria: GeneDx Variant Classification (06012015). Collection method: clinical testing. Allele origin: germline. Affected: yes.
Comment: This variant is considered likely benign or benign based on one or more of the following criteria: it is a conservative change, it occurs at a poorly conserved position in the protein, it is predicted to be benign by multiple in silico algorithms, and/or has population frequency not consistent with disease.

NM_001042492.3(NF1):c.1650G>C (p.Leu550=)

Gene: NF1 (neurofibromin 1; plus strand). Cytogenetic location: 17q11.2.
Variant type: single nucleotide variant.
Coding change: c.1650G>C on transcript NM_001042492.3 (MANE Select); coding-DNA position 1650, G replaced by C.
Protein change: p.Leu550=; no amino-acid change (leucine 550 retained).
Molecular consequence: synonymous variant.
Genome position (GRCh38, 1-based): chr17:31,221,858, G>C. VCF-style: chr17-31221858-G-C. GRCh37 (hg19) VCF-style: chr17-29548876-G-C.
Other names: c.1650G>C, p.Leu550= (NM_000267.4, NM_001128147.3).
Identifiers: ClinVar variation 457541 (VCV000457541.16), dbSNP rs1555613190, ClinGen allele CA499228172.